The following is an entry in ClinVar:

NM_001278716.2(FBXL4):c.1339T>C (p.Leu447=)

Gene: FBXL4 (F-box and leucine rich repeat protein 4; minus strand). Cytogenetic location: 6q16.1.
Variant type: single nucleotide variant.
Coding change: c.1339T>C on transcript NM_001278716.2 (MANE Select); coding-DNA position 1339, T replaced by C.
Protein change: p.Leu447=; no amino-acid change (leucine 447 retained).
Molecular consequence: synonymous variant. On other transcripts: non-coding transcript variant (1).
Genome position (GRCh38, 1-based): chr6:98,880,603, A>G on the plus strand (T>C on the coding strand, the complement: FBXL4 is on the minus strand). VCF-style: chr6-98880603-A-G. GRCh37 (hg19) VCF-style: chr6-99328479-A-G.
Other names: c.1339T>C, p.Leu447= (NM_012160.5).
Identifiers: ClinVar variation 437737 (VCV000437737.1), dbSNP rs778026970, ClinGen allele CA3933471.
Genomic context (GRCh38, chr6:98,880,603, plus strand): 5'-AAACACTTACCATGACACAACTGCCTAAACTGAGGTGCTGAAGCTCTGAACAGAAGTTCA[A>G]AATGCTGAGCAGTGCTGTTTGCTGCCATTAGGGACCACATCAGAGGCAAATATGGAAAGT-3'
Protein context (NP_001265645.1, residues 437-457): KVEQTALLSI[Leu447=]NFCSELQHLS

ClinVar aggregate classification (germline): Uncertain significance (1 of 4 stars; one submission).

Conditions:
Mitochondrial DNA depletion syndrome 13. Also called: FBXL4-Related Encephalomyopathic Mitochondrial DNA Depletion Syndrome; Mitochondrial DNA depletion syndrome 13 (encephalomyopathic type). Identifiers: Orphanet 369897, MedGen C3809592, MONDO:0014198, OMIM 615471.

Allele frequency attached by ClinVar (database versions not stated): ExAC 0.00001; gnomAD exomes below 0.00001; TOPMed below 0.00001.

Submission:

Wong Mito Lab, Molecular and Human Genetics, Baylor College of Medicine
Classification: Uncertain significance for Mitochondrial DNA depletion syndrome 13. Last evaluated: 2017-08-10. Review status: criteria provided, single submitter. Criteria: ACMG Guidelines, 2015. Collection method: reference population. Allele origin: germline.
Comment: The NM_012160.4:c.1339T>C (NP_036292.2:p.Leu447=) [GRCH38: NC_000006.12:g.98880603A>G] variant in FBXL4 gene is interpretated to be a Uncertain Significance - Conflicting Evidence based on ACMG guidelines (PMID: 25741868). This variant meets one or more of the following evidence codes reported in the ACMG-guideline. PM2:This variant is absent in key population databases. BP4:Computational evidence/predictors indicate no impact on the FBXL4 structure, function, or protein-protein interaction. BP7:The variant is silent with non predicted splice impact. Based on this evidence code ClinGen Pathogenicity Calculator (PMID:28081714) suggested that the variant is Uncertain Significance - Conflicting Evidence.